The following is an entry in ClinVar:

NM_000719.7(CACNA1C):c.1528A>G (p.Asn510Asp)

Gene: CACNA1C (calcium voltage-gated channel subunit alpha1 C; plus strand). Cytogenetic location: 12p13.33.
Variant type: single nucleotide variant.
Coding change: c.1528A>G on transcript NM_000719.7 (MANE Select); coding-DNA position 1528, A replaced by G.
Protein change: p.Asn510Asp; replaces asparagine 510 with aspartic acid.
Molecular consequence: missense variant.
Genome position (GRCh38, 1-based): chr12:2,566,441, A>G. VCF-style: chr12-2566441-A-G. GRCh37 (hg19) VCF-style: chr12-2675607-A-G.
Other names: c.1528A>G, p.Asn510Asp (NM_001129827.2, NM_001129829.2, NM_001129830.3 and 18 more transcripts); c.1519A>G, p.Asn507Asp (NM_001129844.2); short protein forms N507D, N510D.
Identifiers: ClinVar variation 2160838 (VCV002160838.5), dbSNP rs2512759166, ClinGen allele CA383368422.

ClinVar aggregate classification (germline): Uncertain significance. Review status: criteria provided, multiple submitters, no conflicts (2 of 4 stars). 2 submissions from 2 submitters: Uncertain significance (2). Last evaluated 2026-06-05.

Conditions:
Long QT syndrome (LQTS). Identifiers: MedGen C0023976, MeSH D008133, MONDO:0002442. Disease mechanism: loss of function. Inheritance: Various modes of inheritance.
Timothy syndrome (TS). Also called: LONG QT SYNDROME WITH SYNDACTYLY. Identifiers: Orphanet 65283, MedGen C1832916, MeSH C536962, MONDO:0010979, OMIM 601005.

Allele frequency attached by ClinVar (database versions not stated): gnomAD exomes below 0.00001.
gnomAD v4.1: 1 of 1,595,712 alleles (0.000063%); highest among the groups gnomAD compares: Non-Finnish European, 0.000085%; no homozygotes.

Submissions (2):

Institute of Human Genetics, University of Leipzig Medical Center
Classification: Uncertain significance for Timothy syndrome. Last evaluated: 2026-06-05. Review status: criteria provided, single submitter. Criteria: ACMG Guidelines, 2015. Collection method: clinical testing. Allele origin: unknown. Inheritance: Autosomal dominant inheritance. Affected: yes.
Comment: Criteria applied: PM2_SUP,PP2,PP3

Labcorp Genetics (formerly Invitae), Labcorp
Classification: Uncertain significance for Long QT syndrome. Last evaluated: 2026-01-11. Review status: criteria provided, single submitter. Criteria: Invitae Variant Classification Sherloc (09022015). Collection method: clinical testing. Allele origin: germline.
Comment: This sequence change replaces asparagine, which is neutral and polar, with aspartic acid, which is acidic and polar, at codon 510 of the CACNA1C protein (p.Asn510Asp). This variant is not present in population databases (gnomAD no frequency). This variant has not been reported in the literature in individuals affected with CACNA1C-related conditions. ClinVar contains an entry for this variant (Variation ID: 2160838). Invitae Evidence Modeling of protein sequence and biophysical properties (such as structural, functional, and spatial information, amino acid conservation, physicochemical variation, residue mobility, and thermodynamic stability) indicates that this missense variant is expected to disrupt CACNA1C protein function with a positive predictive value of 95%. In summary, the available evidence is currently insufficient to determine the role of this variant in disease. Therefore, it has been classified as a Variant of Uncertain Significance.